The following is an entry in ClinVar:

NM_000379.4(XDH):c.2322+6T>G

Gene: XDH (xanthine dehydrogenase; minus strand). Cytogenetic location: 2p23.1.
Variant type: single nucleotide variant.
Coding change: c.2322+6T>G on transcript NM_000379.4 (MANE Select); 6 bases into the intron after coding-DNA position 2322, T replaced by G.
Molecular consequence: intron variant.
Genome position (GRCh38, 1-based): chr2:31,366,864, A>C on the plus strand (T>G on the coding strand, the complement: XDH is on the minus strand). VCF-style: chr2-31366864-A-C. GRCh37 (hg19) VCF-style: chr2-31589730-A-C.
Identifiers: ClinVar variation 1975180 (VCV001975180.4), dbSNP rs947199350, ClinGen allele CA44732155.

ClinVar aggregate classification (germline): Uncertain significance (1 of 4 stars; one submission).

Conditions:
Xanthinuria type II. Also called: Xanthine dehydrogenase and aldehyde oxidase combined deficiency of; XDH and AOX dual deficiency. Identifiers: Orphanet 3467, Orphanet 93602, MedGen C1863688, MONDO:0011346, OMIM 603592.

Submission:

Labcorp Genetics (formerly Invitae), Labcorp
Classification: Uncertain significance for Xanthinuria type II. Last evaluated: 2022-05-18. Review status: criteria provided, single submitter. Criteria: Invitae Variant Classification Sherloc (09022015). Collection method: clinical testing. Allele origin: germline.
Comment: In summary, the available evidence is currently insufficient to determine the role of this variant in disease. Therefore, it has been classified as a Variant of Uncertain Significance. Variants that disrupt the consensus splice site are a relatively common cause of aberrant splicing (PMID: 17576681, 9536098). Algorithms developed to predict the effect of sequence changes on RNA splicing suggest that this variant is not likely to affect RNA splicing. This variant has not been reported in the literature in individuals affected with XDH-related conditions. This variant is not present in population databases (gnomAD no frequency). This sequence change falls in intron 21 of the XDH gene. It does not directly change the encoded amino acid sequence of the XDH protein. It affects a nucleotide within the consensus splice site.

Literature cited by the submitters: PubMed 17576681; PubMed 9536098.